The following is an entry in ClinVar:

NM_000070.3(CAPN3):c.1063C>T (p.Arg355Trp)

Gene: CAPN3 (calpain 3; plus strand). Cytogenetic location: 15q15.1.
Variant type: single nucleotide variant.
Coding change: c.1063C>T on transcript NM_000070.3 (MANE Select); coding-DNA position 1063, C replaced by T.
Protein change: p.Arg355Trp; replaces arginine 355 with tryptophan.
Molecular consequence: missense variant.
Genome position (GRCh38, 1-based): chr15:42,394,289, C>T. VCF-style: chr15-42394289-C-T. GRCh37 (hg19) VCF-style: chr15-42686487-C-T.
Other names: c.1063C>T, p.Arg355Trp (NM_024344.2); c.919C>T, p.Arg307Trp (NM_173087.2); short protein forms R355W, R307W.
Identifiers: ClinVar variation 281254 (VCV000281254.61), dbSNP rs749099493, ClinGen allele CA7511239.

ClinVar aggregate classification (germline): Pathogenic/Likely pathogenic. Review status: criteria provided, multiple submitters, no conflicts (2 of 4 stars). 13 submissions from 13 submitters: Pathogenic (7); Likely pathogenic (5). 1 of the submissions does not count toward it. Last evaluated 2026-10-19.

Conditions:
Muscular dystrophy, limb-girdle, autosomal dominant 4. Also called: Calpain-3-related limb-girdle muscular dystrophy D4; MUSCULAR DYSTROPHY, LIMB-GIRDLE, TYPE 1I. Identifiers: Orphanet 565909, MedGen C4748295, MONDO:0029133, OMIM 618129.
Autosomal recessive limb-girdle muscular dystrophy type 2A (LGMDR1). Also called: Muscular dystrophy, limb-girdle, type 2A, Amish; LEYDEN-MOEBIUS MUSCULAR DYSTROPHY; MUSCULAR DYSTROPHY, PELVOFEMORAL; Limb-girdle muscular dystrophy, type 2A; Calpainopathy. Identifiers: Orphanet 267, MedGen C1869123, MONDO:0009675, OMIM 253600. Disease mechanism: loss of function.

Allele frequency attached by ClinVar (database versions not stated): gnomAD 0.00001; TOPMed 0.00002; ExAC 0.00004.
gnomAD v4.1: 12 of 1,562,462 alleles (0.00077%); highest among the groups gnomAD compares: Non-Finnish European, 0.00095%; no homozygotes.

Submissions (13):

Clinical Genomics Center, Faculty of Medicine, Alexandria University
Classification: Likely pathogenic for Autosomal recessive limb-girdle muscular dystrophy type 2A. Last evaluated: 2026-10-19. Review status: criteria provided, single submitter. Criteria: ACMG Guidelines, 2015. Collection method: research. Allele origin: germline. Inheritance: Autosomal recessive inheritance. Affected: yes. Observed: 1 variant allele, 1 homozygote.
Comment: The variant was detected in the homozygous state . It is rare in the general population (gnomAD allele frequency 0.003%), and in silico tools predict a deleterious effect (REVEL 0.867). The variant has been reported in multiple unrelated individuals with CAPN3-related muscular dystrophy who carried a second pathogenic CAPN3 variant (PMID: 15689361). In summary, this variant meets criteria for Likely pathogenic according to ACMG/AMP 2015 guidelines (PM3, PP3_Moderate, PM2_Supporting, PP4).

GeneDx
Classification: Likely pathogenic. Last evaluated: 2026-04-01. Review status: criteria provided, single submitter. Criteria: GeneDx Variant Classification Process June 2021. Collection method: clinical testing. Allele origin: germline.
Comment: Reported previously in multiple unrelated individuals with CAPN3-related disorder who also harbored a second CAPN3 pathogenic variant; however phase was undetermined in some cases (PMID: 27558075, 15689361, 23821418, 35135626, 19364062); In silico analysis supports that this missense variant has a deleterious effect on protein structure/function; Not observed at significant frequency in large population cohorts (gnomAD); This variant is associated with the following publications: (PMID: 17236769, 27558075, 18073330, 23821418, 15689361, 24803842, 31555977, 29970176, 30564623, 15884399, 31069529, 17994539, 35135626, 19364062, 26404900, 18854869, 39678382)

Labcorp Genetics (formerly Invitae), Labcorp
Classification: Pathogenic for Autosomal recessive limb-girdle muscular dystrophy type 2A. Last evaluated: 2026-01-25. Review status: criteria provided, single submitter. Criteria: Invitae Variant Classification Sherloc (09022015). Collection method: clinical testing. Allele origin: germline.
Comment: This sequence change replaces arginine, which is basic and polar, with tryptophan, which is neutral and slightly polar, at codon 355 of the CAPN3 protein (p.Arg355Trp). The frequency data for this variant in the population databases is considered unreliable, as metrics indicate poor data quality at this position in the gnomAD database. This missense change has been observed in individual(s) with autosomal recessive limb-girdle muscular dystrophy (PMID: 15689361, 17236769, 19364062, 23821418, 29970176). ClinVar contains an entry for this variant (Variation ID: 281254). Invitae Evidence Modeling of protein sequence and biophysical properties (such as structural, functional, and spatial information, amino acid conservation, physicochemical variation, residue mobility, and thermodynamic stability) indicates that this missense variant is expected to disrupt CAPN3 protein function with a positive predictive value of 80%. This variant disrupts the p.Arg355 amino acid residue in CAPN3. Other variant(s) that disrupt this residue have been observed in individuals with CAPN3-related conditions (PMID: 16650086, 28403181), which suggests that this may be a clinically significant amino acid residue. For these reasons, this variant has been classified as Pathogenic.

Natera, Inc.
Classification: Pathogenic for Limb-girdle muscular dystrophy type 2A. Last evaluated: 2025-08-04. Review status: criteria provided, single submitter. Criteria: Natera Variant Classification Schema (03/2026). Collection method: clinical testing. Allele origin: germline.
Comment: The c.1063C>T variant in CAPN3 is a missense variant predicted to cause substitution of arginine to tryptophan at amino acid 355. This variant is rare in the general population with a frequency below the threshold expected for the associated phenotype(s). This variant has been observed in one or more individuals affected with the associated recessive disease, as either homozygous or compound heterozygous with a second variant (PMID: 19364062, 17994539, 31069529, 29970176, 18854869, 35135626). Additionally, this variant has been observed to segregate in affected family members (PMID: 19364062). Computational prediction algorithms indicate this variant is likely to affect gene or protein function. Given the available evidence, this variant is classified as Pathogenic.

Clinical Genetics Laboratory, Skane University Hospital Lund
Classification: Likely pathogenic for Autosomal recessive limb-girdle muscular dystrophy type 2A; Muscular dystrophy, limb-girdle, autosomal dominant 4. Last evaluated: 2025-07-16. Review status: criteria provided, single submitter. Criteria: ACMG Guidelines, 2015. Collection method: clinical testing. Allele origin: germline. Affected: yes.
Comment: ACMG criteria used: PM3_Strong, PP3, PP4

Fulgent Genetics
Classification: Likely pathogenic for Autosomal recessive limb-girdle muscular dystrophy type 2A; Muscular dystrophy, limb-girdle, autosomal dominant 4. Last evaluated: 2024-06-12. Review status: criteria provided, single submitter. Criteria: ACMG Guidelines, 2015. Collection method: clinical testing. Allele origin: germline.

Baylor Genetics
Classification: Pathogenic for Muscular dystrophy, limb-girdle, autosomal dominant 4. Last evaluated: 2024-03-20. Review status: criteria provided, single submitter. Criteria: ACMG Guidelines, 2015. Collection method: clinical testing. Allele origin: unknown.

CeGaT Center for Human Genetics Tuebingen
Classification: Pathogenic. Last evaluated: 2021-12-01. Review status: criteria provided, single submitter. Criteria: CeGaT Center For Human Genetics Tuebingen Variant Classification Criteria Version 2. Collection method: clinical testing. Allele origin: germline. Affected: yes. Observed: 1 variant allele.

Revvity Omics, Revvity
Classification: Likely pathogenic. Last evaluated: 2019-04-03. Review status: criteria provided, single submitter. Criteria: ACMG Guidelines, 2015. Collection method: clinical testing. Allele origin: germline.

Athena Diagnostics
Classification: Pathogenic. Last evaluated: 2018-01-26. Review status: criteria provided, single submitter. Criteria: Athena Diagnostics Criteria. Collection method: clinical testing. Allele origin: germline.

Eurofins Ntd Llc (ga)
Classification: Pathogenic. Last evaluated: 2017-06-21. Review status: criteria provided, single submitter. Criteria: EGL Classification Definitions 2015. Collection method: clinical testing. Allele origin: germline. Observed: 5 variant alleles, 5 heterozygotes.

Molecular Diagnostics Laboratory, M Health Fairview: University of Minnesota
Classification: Pathogenic for Autosomal recessive limb-girdle muscular dystrophy type 2A. Last evaluated: 2017-05-25. Review status: criteria provided, single submitter. Criteria: ACMG Guidelines, 2015. Collection method: clinical testing. Allele origin: germline. Affected: yes. Observed: 1 variant allele.

Counsyl
Classification: Likely pathogenic for Autosomal recessive limb-girdle muscular dystrophy type 2A. Last evaluated: 2017-08-04. Review status: no assertion criteria provided. Collection method: clinical testing. Allele origin: unknown. Not counted in ClinVar's aggregate classification.

Literature cited by the submitters: PubMed 15689361 (cited by 6 submitters); PubMed 17236769 (cited by Labcorp Genetics (formerly Invitae), Labcorp and Athena Diagnostics); PubMed 19364062 (cited by 4 submitters); PubMed 23821418 (cited by 3 submitters); PubMed 29970176 (cited by Labcorp Genetics (formerly Invitae), Labcorp and Natera, Inc.); PubMed 16650086 (cited by Labcorp Genetics (formerly Invitae), Labcorp); PubMed 28403181 (cited by Labcorp Genetics (formerly Invitae), Labcorp); PubMed 17994539 (cited by 4 submitters); PubMed 31069529 (cited by Natera, Inc.); PubMed 18854869 (cited by 4 submitters); PubMed 35135626 (cited by Natera, Inc.); PubMed 18073330 (cited by Athena Diagnostics and Eurofins Ntd Llc (ga)); PubMed 15884399 (cited by Molecular Diagnostics Laboratory, M Health Fairview: University of Minnesota); PubMed 26404900 (cited by Counsyl).